The following is an entry in ClinVar:

ClinVar aggregate classification (germline): Pathogenic. Review status: criteria provided, single submitter (1 of 4 stars). 2 submissions from 2 submitters: Pathogenic (1). 1 of the submissions does not count toward it. Last evaluated 2022-06-27.

Conditions:
Walker-Warburg congenital muscular dystrophy. Also called: Muscular dystrophy-dystroglycanopathy, type A; Walker-Warburg syndrome. Identifiers: Orphanet 899, MedGen C0265221, MONDO:0000171.
Autosomal recessive limb-girdle muscular dystrophy type 2I. Also called: MUSCULAR DYSTROPHY-DYSTROGLYCANOPATHY, LIMB-GIRDLE, FRKP-RELATED; MUSCULAR DYSTROPHY-DYSTROGLYCANOPATHY (LIMB-GIRDLE), TYPE C, 5; MUSCULAR DYSTROPHY, LIMB-GIRDLE, TYPE 2I. Identifiers: Orphanet 34515, MedGen C1846672, MONDO:0011787, OMIM 607155.

Submissions (2):

Labcorp Genetics (formerly Invitae), Labcorp
Classification: Pathogenic for Walker-Warburg congenital muscular dystrophy. Last evaluated: 2022-06-27. Review status: criteria provided, single submitter. Criteria: Invitae Variant Classification Sherloc (09022015). Collection method: clinical testing. Allele origin: germline.
Comment: This sequence change creates a premature translational stop signal (p.Leu322Alafs*67) in the FKRP gene. While this is not anticipated to result in nonsense mediated decay, it is expected to disrupt the last 174 amino acid(s) of the FKRP protein. This variant is not present in population databases (gnomAD no frequency). This variant has not been reported in the literature in individuals affected with FKRP-related conditions. ClinVar contains an entry for this variant (Variation ID: 557967). This variant disrupts a region of the FKRP protein in which other variant(s) (p.Ile478Thr) have been determined to be pathogenic (PMID: 16476814, 18639457, 19299310). This suggests that this is a clinically significant region of the protein, and that variants that disrupt it are likely to be disease-causing. For these reasons, this variant has been classified as Pathogenic.

Counsyl
Classification: Likely pathogenic for Autosomal recessive limb-girdle muscular dystrophy type 2I. Last evaluated: 2018-04-19. Review status: no assertion criteria provided. Collection method: clinical testing. Allele origin: unknown. Not counted in ClinVar's aggregate classification.

Literature cited by the submitters: PubMed 16476814 (cited by Labcorp Genetics (formerly Invitae), Labcorp); PubMed 18639457 (cited by Labcorp Genetics (formerly Invitae), Labcorp); PubMed 19299310 (cited by Labcorp Genetics (formerly Invitae), Labcorp).

NM_024301.5(FKRP):c.963_964del (p.Leu322fs)

Gene: FKRP (fukutin related protein; plus strand). Cytogenetic location: 19q13.32.
Variant type: Microsatellite.
Coding change: c.963_964del on transcript NM_024301.5 (MANE Select); coding-DNA positions 963 to 964, 2 bases deleted (GC; older notation c.963_964delGC).
Protein change: p.Leu322fs; shifts the reading frame from leucine 322.
Molecular consequence: frameshift variant.
Genome position (GRCh38, 1-based): chr19:46,756,413-46,756,414, GC deleted; deleting any 2 consecutive bases within chr19:46,756,407-46,756,414 gives the same sequence; the c. name uses the placement nearest the transcript's 3' end. VCF-style (leftmost placement, unchanged base first): chr19-46756406-TGC-T. GRCh37 (hg19) VCF-style: chr19-47259663-TGC-T.
Other names: c.963_964del, p.Leu322fs (NM_001039885.3); short protein forms L322fs.
Identifiers: ClinVar variation 557967 (VCV000557967.7), dbSNP rs1555738883, ClinGen allele CA658823848.